The following is an entry in ClinVar:

NM_024577.4(SH3TC2):c.529+10G>A

Gene: SH3TC2 (SH3 domain and tetratricopeptide repeats 2; minus strand). Cytogenetic location: 5q32.
Variant type: single nucleotide variant.
Coding change: c.529+10G>A on transcript NM_024577.4 (MANE Select); 10 bases into the intron after coding-DNA position 529, G replaced by A.
Molecular consequence: intron variant.
Genome position (GRCh38, 1-based): chr5:149,042,684, C>T on the plus strand (G>A on the coding strand, the complement: SH3TC2 is on the minus strand). VCF-style: chr5-149042684-C-T. GRCh37 (hg19) VCF-style: chr5-148422247-C-T.
Identifiers: ClinVar variation 215925 (VCV000215925.10), dbSNP rs768567281, ClinGen allele CA336733.

ClinVar aggregate classification (germline): Likely benign. Review status: criteria provided, multiple submitters, no conflicts (2 of 4 stars). 2 submissions from 2 submitters: Likely benign (2). Last evaluated 2026-08-15.

Conditions:
SH3TC2-related disorder. Also called: SH3TC2-related condition; SH3TC2-related disorders. Identifiers: MedGen CN239303.
Charcot-Marie-Tooth disease type 4. Also called: Charcot-Marie-Tooth disease, type IV; Charcot-Marie-Tooth, Type 4. Identifiers: Orphanet 64749, MedGen C4082197, MONDO:0018995.

Allele frequency attached by ClinVar (database versions not stated): gnomAD 0.00003 and 0.00004; TOPMed 0.00003; gnomAD exomes 0.00004 and 0.00006; ExAC 0.00008.
gnomAD v4.1: 66 of 1,613,884 alleles (0.0041%); highest among the groups gnomAD compares: Middle Eastern, 0.049%; no homozygotes.

Submissions (2):

PreventionGenetics, part of Exact Sciences
Classification: Likely benign for SH3TC2-related condition. Last evaluated: 2026-08-15. Review status: criteria provided, single submitter. Criteria: ACMG Guidelines, 2015. Collection method: clinical testing. Allele origin: germline.
Comment: This variant is classified as likely benign based on ACMG/AMP sequence variant interpretation guidelines (Richards et al. 2015 PMID: 25741868, with internal and published modifications).

Labcorp Genetics (formerly Invitae), Labcorp
Classification: Likely benign for Charcot-Marie-Tooth disease type 4. Last evaluated: 2025-06-16. Review status: criteria provided, single submitter. Criteria: Invitae Variant Classification Sherloc (09022015). Collection method: clinical testing. Allele origin: germline.